The following is an entry in ClinVar:

ClinVar aggregate classification (germline): Uncertain significance (1 of 4 stars; one submission).

gnomAD v4.1: 11 of 1,612,466 alleles (0.00068%); highest among the groups gnomAD compares: East Asian, 0.025%; no homozygotes.

Submission:

GeneDx
Classification: Uncertain significance. Last evaluated: 2026-03-19. Review status: criteria provided, single submitter. Criteria: GeneDx Variant Classification Process June 2021. Collection method: clinical testing. Allele origin: germline.
Comment: In silico analysis supports that this missense variant has a deleterious effect on protein structure/function; Has not been previously published as pathogenic or benign to our knowledge

NM_207361.6(FREM2):c.649C>G (p.Arg217Gly)

Gene: FREM2 (FRAS1 related extracellular matrix 2; plus strand). Cytogenetic location: 13q13.3.
Variant type: single nucleotide variant.
Coding change: c.649C>G on transcript NM_207361.6 (MANE Select); coding-DNA position 649, C replaced by G.
Protein change: p.Arg217Gly; replaces arginine 217 with glycine.
Molecular consequence: missense variant.
Genome position (GRCh38, 1-based): chr13:38,687,993, C>G. VCF-style: chr13-38687993-C-G. GRCh37 (hg19) VCF-style: chr13-39262130-C-G.
Other names: short protein forms R217G.
Identifiers: ClinVar variation 5008990 (VCV005008990.1).